The following is an entry in ClinVar:

NM_000535.7(PMS2):c.354-14G>C

Gene: PMS2 (PMS1 homolog 2, mismatch repair system component; minus strand). Cytogenetic location: 7p22.1.
Variant type: single nucleotide variant.
Coding change: c.354-14G>C on transcript NM_000535.7 (MANE Select); 14 bases into the intron before coding-DNA position 354, G replaced by C.
Molecular consequence: intron variant. On other transcripts: missense variant (9).
Genome position (GRCh38, 1-based): chr7:6,002,650, C>G on the plus strand (G>C on the coding strand, the complement: PMS2 is on the minus strand). VCF-style: chr7-6002650-C-G. GRCh37 (hg19) VCF-style: chr7-6042281-C-G.
Other names: c.31G>C, p.Val11Leu (NM_001322015.2, NM_001406875.1, NM_001406877.1 and 6 more transcripts); c.36-14G>C (NM_001322008.2, NM_001406902.1, NM_001406883.1 and 4 more transcripts); c.-52-14G>C (NM_001406895.1, NM_001406911.1, NM_001322010.2 and 24 more transcripts); c.-531-14G>C (NM_001322012.2, NM_001322011.2); c.250+1322G>C (NM_001406885.1); c.354-14G>C (NM_001406886.1, NM_001406884.1, NM_001406874.1 and 8 more transcripts); c.378-14G>C (NM_001406868.1); c.540-14G>C (NM_001406866.1); short protein forms V11L.
Identifiers: ClinVar variation 3903679 (VCV003903679.1).

ClinVar aggregate classification (germline): Likely benign (1 of 4 stars; one submission).

Conditions:
Lynch syndrome 4 (LYNCH4). Also called: Colorectal cancer, hereditary nonpolyposis, type 4; Hereditary non-polyposis colorectal cancer, type 4. Identifiers: Orphanet 144, MedGen C1838333, MONDO:0013699, OMIM 614337. Disease mechanism: loss of function.

Submission:

Myriad Genetics, Inc.
Classification: Likely benign for Lynch syndrome 4. Last evaluated: 2025-01-24. Review status: criteria provided, single submitter. Criteria: Myriad Autosomal Dominant, Autosomal Recessive and X-Linked Classification Criteria (2023). Collection method: clinical testing. Allele origin: unknown.
Comment: This variant is considered likely benign. This variant is intronic and is not expected to impact mRNA splicing.